The following is an entry in ClinVar:

NM_000135.4(FANCA):c.3778C>G (p.Leu1260Val)

Genes: ZNF276 (zinc finger protein 276; plus strand), FANCA (FA complementation group A; minus strand). Cytogenetic location: 16q24.3.
Variant type: single nucleotide variant.
Coding change: c.3778C>G on transcript NM_000135.4 (MANE Select); coding-DNA position 3778, C replaced by G.
Protein change: p.Leu1260Val; replaces leucine 1260 with valine.
Molecular consequence: missense variant. On other transcripts: 3 prime UTR variant (2), non-coding transcript variant (4).
Genome position (GRCh38, 1-based): chr16:89,740,854, G>C on the plus strand (C>G on the coding strand, the complement: FANCA is on the minus strand). VCF-style: chr16-89740854-G-C. GRCh37 (hg19) VCF-style: chr16-89807262-G-C.
Other names: c.3778C>G, p.Leu1260Val (NM_001286167.3); c.*2608G>C (NM_001113525.2, NM_152287.4); short protein forms L1260V.
Identifiers: ClinVar variation 3581455 (VCV003581455.3).
Genomic context (GRCh38, chr16:89,740,854, plus strand): 5'-TCTGACTTACATTTGAGGTCAGATGTGACGACAGCAGGCCCATCAAGGAGAAGAAGAAAA[G>C]GAAAACCAATAGCTGTAAATAAAAACGTGCACTTATTATTACATTAAAATTACCTGTGCT-3'
Protein context (NP_000126.2, residues 1250-1270): DCEREELLVF[Leu1260Val]FFFSLMGLLS

ClinVar aggregate classification (germline): Uncertain significance. Review status: criteria provided, multiple submitters, no conflicts (2 of 4 stars). 3 submissions from 3 submitters: Uncertain significance (3). Last evaluated 2025-03-20.

Conditions:
Inborn genetic diseases. Identifiers: MedGen C0950123, MeSH D030342.
Fanconi anemia complementation group A (FANCA). Also called: FANCA-Related Fanconi Anemia; Fanconi anemia, group A. Identifiers: Orphanet 84, MedGen C3469521, MONDO:0009215, OMIM 227650.

Submissions (3):

Ambry Genetics
Classification: Uncertain significance for Inborn genetic diseases. Last evaluated: 2025-03-20. Review status: criteria provided, single submitter. Criteria: Ambry Variant Classification Scheme 2023. Collection method: clinical testing. Allele origin: germline.
Comment: The p.L1260V variant (also known as c.3778C>G), located in coding exon 38 of the FANCA gene, results from a C to G substitution at nucleotide position 3778. The leucine at codon 1260 is replaced by valine, an amino acid with highly similar properties. This amino acid position is conserved. In addition, the in silico prediction for this alteration is inconclusive. Based on the available evidence, the clinical significance of this variant remains unclear.

Fulgent Genetics
Classification: Uncertain significance for Fanconi anemia complementation group A. Last evaluated: 2024-05-05. Review status: criteria provided, single submitter. Criteria: ACMG Guidelines, 2015. Collection method: clinical testing. Allele origin: germline.

Laboratorio de Genetica e Diagnostico Molecular, Hospital Israelita Albert Einstein
Classification: Uncertain significance for Fanconi anemia complementation group A. Last evaluated: 2023-09-28. Review status: criteria provided, single submitter. Criteria: ACMG Guidelines, 2015. Collection method: clinical testing. Allele origin: germline. Affected: yes.
Comment: ACMG classification criteria: PM2 moderate